The following is an entry in ClinVar:

ClinVar aggregate classification (germline): Uncertain significance (1 of 4 stars; one submission).

Conditions:
Polyglucosan body myopathy type 1 (PGBM1). Also called: POLYGLUCOSAN BODY MYOPATHY WITHOUT IMMUNODEFICIENCY; Polyglucosan body myopathy 1 with or without immunodeficiency. Identifiers: Orphanet 329173, Orphanet 397937, MedGen C4014605, MONDO:0014389, OMIM 615895.

Submission:

Labcorp Genetics (formerly Invitae), Labcorp
Classification: Uncertain significance for Polyglucosan body myopathy type 1. Last evaluated: 2022-01-11. Review status: criteria provided, single submitter. Criteria: Invitae Variant Classification Sherloc (09022015). Collection method: clinical testing. Allele origin: germline.
Comment: In summary, the available evidence is currently insufficient to determine the role of this variant in disease. Therefore, it has been classified as a Variant of Uncertain Significance. Algorithms developed to predict the effect of missense changes on protein structure and function output the following: SIFT: "Not Available"; PolyPhen-2: "Benign"; Align-GVGD: "Not Available". The alanine amino acid residue is found in multiple mammalian species, which suggests that this missense change does not adversely affect protein function. ClinVar contains an entry for this variant (Variation ID: 650137). This variant has not been reported in the literature in individuals affected with RBCK1-related conditions. This variant is not present in population databases (gnomAD no frequency). This sequence change replaces valine, which is neutral and non-polar, with alanine, which is neutral and non-polar, at codon 177 of the RBCK1 protein (p.Val177Ala).

NM_031229.4(RBCK1):c.530T>C (p.Val177Ala)

Gene: RBCK1 (RANBP2-type and C3HC4-type zinc finger containing 1; plus strand). Cytogenetic location: 20p13.
Variant type: single nucleotide variant.
Coding change: c.530T>C on transcript NM_031229.4 (MANE Select); coding-DNA position 530, T replaced by C.
Protein change: p.Val177Ala; replaces valine 177 with alanine.
Molecular consequence: missense variant. On other transcripts: non-coding transcript variant (1).
Genome position (GRCh38, 1-based): chr20:419,416, T>C. VCF-style: chr20-419416-T-C. GRCh37 (hg19) VCF-style: chr20-400060-T-C.
Other names: c.181T>C, p.Ser61Pro (NM_001323956.2, NM_001323958.2); c.404T>C, p.Val135Ala (NM_006462.6); short protein forms S61P, V135A, V177A.
Identifiers: ClinVar variation 650137 (VCV000650137.8), dbSNP rs766968693, ClinGen allele CA310619916.